The following is an entry in ClinVar:

NM_018975.4(TERF2IP):c.795+4T>C

Gene: TERF2IP (TERF2 interacting protein; plus strand). Cytogenetic location: 16q23.1.
Variant type: single nucleotide variant.
Coding change: c.795+4T>C on transcript NM_018975.4 (MANE Select); 4 bases into the intron after coding-DNA position 795, T replaced by C.
Molecular consequence: intron variant.
Genome position (GRCh38, 1-based): chr16:75,654,401, T>C. VCF-style: chr16-75654401-T-C. GRCh37 (hg19) VCF-style: chr16-75688299-T-C.
Identifiers: ClinVar variation 2703361 (VCV002703361.3), dbSNP rs2507086656, ClinGen allele CA2634369381.

ClinVar aggregate classification (germline): Uncertain significance (1 of 4 stars; one submission).

Allele frequency attached by ClinVar (database versions not stated): gnomAD exomes below 0.00001.
gnomAD v4.1: 2 of 1,612,064 alleles (0.00012%); highest among the groups gnomAD compares: Non-Finnish European, 0.00017%; no homozygotes.

Submission:

Labcorp Genetics (formerly Invitae), Labcorp
Classification: Uncertain significance. Last evaluated: 2023-12-15. Review status: criteria provided, single submitter. Criteria: Invitae Variant Classification Sherloc (09022015). Collection method: clinical testing. Allele origin: germline.
Comment: This sequence change falls in intron 2 of the TERF2IP gene. It does not directly change the encoded amino acid sequence of the TERF2IP protein. It affects a nucleotide within the consensus splice site. This variant is not present in population databases (gnomAD no frequency). This variant has not been reported in the literature in individuals affected with TERF2IP-related conditions. Variants that disrupt the consensus splice site are a relatively common cause of aberrant splicing (PMID: 17576681, 9536098). Algorithms developed to predict the effect of sequence changes on RNA splicing suggest that this variant is not likely to affect RNA splicing. In summary, the available evidence is currently insufficient to determine the role of this variant in disease. Therefore, it has been classified as a Variant of Uncertain Significance.

Literature cited by the submitters: PubMed 17576681; PubMed 9536098.